The following is an entry in ClinVar:

ClinVar aggregate classification (germline): Uncertain significance (1 of 4 stars; one submission).

Conditions:
Primary dilated cardiomyopathy (DCM). Also called: Dilated Cardiomyopathy. Identifiers: Orphanet 217604, MedGen C0007193, MeSH D002311, MONDO:0005021, HP:0001644. Inheritance: Various modes of inheritance.

Allele frequency attached by ClinVar (database versions not stated): gnomAD exomes below 0.00001; gnomAD 0.00001; TOPMed 0.00001.
gnomAD v4.1: 6 of 1,613,718 alleles (0.00037%); highest among the groups gnomAD compares: Non-Finnish European, 0.00051%; no homozygotes.

Submission:

Labcorp Genetics (formerly Invitae), Labcorp
Classification: Uncertain significance for Primary dilated cardiomyopathy. Last evaluated: 2023-03-07. Review status: criteria provided, single submitter. Criteria: Invitae Variant Classification Sherloc (09022015). Collection method: clinical testing. Allele origin: germline.
Comment: This sequence change replaces methionine, which is neutral and non-polar, with isoleucine, which is neutral and non-polar, at codon 314 of the NEBL protein (p.Met314Ile). This variant is present in population databases (no rsID available, gnomAD 0.0009%). This variant has not been reported in the literature in individuals affected with NEBL-related conditions. An algorithm developed to predict the effect of missense changes on protein structure and function (PolyPhen-2) suggests that this variant is likely to be tolerated. In summary, the available evidence is currently insufficient to determine the role of this variant in disease. Therefore, it has been classified as a Variant of Uncertain Significance.

NM_006393.3(NEBL):c.942G>A (p.Met314Ile)

Gene: NEBL (nebulette; minus strand). Cytogenetic location: 10p12.31.
Variant type: single nucleotide variant.
Coding change: c.942G>A on transcript NM_006393.3 (MANE Select); coding-DNA position 942, G replaced by A.
Protein change: p.Met314Ile; replaces methionine 314 with isoleucine.
Molecular consequence: missense variant. On other transcripts: intron variant (9).
Genome position (GRCh38, 1-based): chr10:20,852,611, C>T on the plus strand (G>A on the coding strand, the complement: NEBL is on the minus strand). VCF-style: chr10-20852611-C-T. GRCh37 (hg19) VCF-style: chr10-21141540-C-T.
Other names: c.250-39671G>A (NM_001377326.1, NM_001377327.1, NM_001377328.1); c.358-39671G>A (NM_213569.2, NM_001173484.2, NM_001377322.1); c.301-39671G>A (NM_001377324.1); c.292-39671G>A (NM_001377325.1); c.310-39671G>A (NM_001377323.1); short protein forms M314I.
Identifiers: ClinVar variation 2732908 (VCV002732908.3), dbSNP rs937657072, ClinGen allele CA204181522.